The following is an entry in ClinVar:

NM_017841.4(SDHAF2):c.305T>A (p.Leu102Gln)

Gene: SDHAF2 (succinate dehydrogenase complex assembly factor 2; plus strand). Cytogenetic location: 11q12.2.
Variant type: single nucleotide variant.
Coding change: c.305T>A on transcript NM_017841.4 (MANE Select); coding-DNA position 305, T replaced by A.
Protein change: p.Leu102Gln; replaces leucine 102 with glutamine.
Molecular consequence: missense variant.
Genome position (GRCh38, 1-based): chr11:61,438,048, T>A. VCF-style: chr11-61438048-T-A. GRCh37 (hg19) VCF-style: chr11-61205520-T-A.
Other names: short protein forms L102Q.
Identifiers: ClinVar variation 4844580 (VCV004844580.1).
Genomic context (GRCh38, chr11:61,438,048, plus strand): 5'-TCTTTCTTGTTTTTAGTCTTTTTGCTAAAGAACATCTGCAGCACATGACAGAAAAGCAGC[T>A]GAACCTCTATGACCGCCTGATTAACGAGCCTAGTAATGACTGGGATATTTACTACTGGGC-3'
Protein context (NP_060311.1, residues 92-112): EHLQHMTEKQ[Leu102Gln]NLYDRLINEP

ClinVar aggregate classification (germline): Uncertain significance (1 of 4 stars; one submission).

Conditions:
Hereditary cancer-predisposing syndrome. Also called: Neoplastic Syndromes, Hereditary; Tumor predisposition; Hereditary Cancer Syndrome; Hereditary neoplastic syndrome. Identifiers: Orphanet 140162, MedGen C0027672, MeSH D009386, MONDO:0015356.

Submission:

Ambry Genetics
Classification: Uncertain significance for Hereditary cancer-predisposing syndrome. Last evaluated: 2026-02-19. Review status: criteria provided, single submitter. Criteria: Ambry Variant Classification Scheme 2023. Collection method: clinical testing. Allele origin: germline.
Comment: The p.L102Q variant (also known as c.305T>A), located in coding exon 3 of the SDHAF2 gene, results from a T to A substitution at nucleotide position 305. The leucine at codon 102 is replaced by glutamine, an amino acid with dissimilar properties. This amino acid position is conserved. In addition, this alteration is predicted to be deleterious by in silico analysis. Based on the available evidence, the clinical significance of this variant remains unclear.